The following is an entry in ClinVar:

ClinVar aggregate classification (germline): Uncertain significance (1 of 4 stars; one submission).

Conditions:
Early Myoclonic Encephalopathy. Identifiers: MedGen C0270855.

gnomAD v4.1: 10 of 1,613,908 alleles (0.00062%); highest among the groups gnomAD compares: African/African-American, 0.0027%; no homozygotes.

Submission:

Labcorp Genetics (formerly Invitae), Labcorp
Classification: Uncertain significance for Early Myoclonic Encephalopathy. Last evaluated: 2025-11-19. Review status: criteria provided, single submitter. Criteria: Invitae Variant Classification Sherloc (09022015). Collection method: clinical testing. Allele origin: germline.
Comment: This sequence change replaces arginine, which is basic and polar, with glutamine, which is neutral and polar, at codon 1732 of the JMJD1C protein (p.Arg1732Gln). This variant is not present in population databases (gnomAD no frequency). This variant has not been reported in the literature in individuals affected with JMJD1C-related conditions. Invitae Evidence Modeling of protein sequence and biophysical properties (such as structural, functional, and spatial information, amino acid conservation, physicochemical variation, residue mobility, and thermodynamic stability) indicates that this missense variant is expected to disrupt JMJD1C protein function with a positive predictive value of 80%. In summary, the available evidence is currently insufficient to determine the role of this variant in disease. Therefore, it has been classified as a Variant of Uncertain Significance.

NM_032776.3(JMJD1C):c.5195G>A (p.Arg1732Gln)

Gene: JMJD1C (jumonji domain containing 1C; minus strand). Cytogenetic location: 10q21.3.
Variant type: single nucleotide variant.
Coding change: c.5195G>A on transcript NM_032776.3 (MANE Select); coding-DNA position 5195, G replaced by A.
Protein change: p.Arg1732Gln; replaces arginine 1732 with glutamine.
Molecular consequence: missense variant.
Genome position (GRCh38, 1-based): chr10:63,200,557, C>T on the plus strand (G>A on the coding strand, the complement: JMJD1C is on the minus strand). VCF-style: chr10-63200557-C-T. GRCh37 (hg19) VCF-style: chr10-64960317-C-T.
Other names: c.4649G>A, p.Arg1550Gln (NM_001282948.2, NM_001318154.2); c.4331G>A, p.Arg1444Gln (NM_001318153.2); c.5081G>A, p.Arg1694Gln (NM_001322252.2); c.4538G>A, p.Arg1513Gln (NM_001322254.2, NM_001322258.2); short protein forms R1732Q, R1444Q, R1513Q, R1550Q, R1694Q.
Identifiers: ClinVar variation 4768853 (VCV004768853.1).